The following is an entry in ClinVar:

NM_001110556.2(FLNA):c.2228A>G (p.His743Arg)

Gene: FLNA (filamin A; minus strand). Cytogenetic location: Xq28.
Variant type: single nucleotide variant.
Coding change: c.2228A>G on transcript NM_001110556.2 (MANE Select); coding-DNA position 2228, A replaced by G.
Protein change: p.His743Arg; replaces histidine 743 with arginine.
Molecular consequence: missense variant.
Genome position (GRCh38, 1-based): chrX:154,364,074, T>C on the plus strand (A>G on the coding strand, the complement: FLNA is on the minus strand). VCF-style: chrX-154364074-T-C. GRCh37 (hg19) VCF-style: chrX-153592442-T-C.
Other names: p.His743Arg; c.2228A>G, p.His743Arg (NM_001456.4); short protein forms H743R.
Identifiers: ClinVar variation 4814019 (VCV004814019.2).

ClinVar aggregate classification (germline): Uncertain significance. Review status: criteria provided, multiple submitters, no conflicts (2 of 4 stars). 2 submissions from 2 submitters: Uncertain significance (2). Last evaluated 2026-03-24.

Conditions:
Cardiac valvular dysplasia, X-linked (CVDPX). Also called: FLNA-Related X-linked Cardiac Valvular Dysplasia; MYXOMATOUS VALVULAR DYSTROPHY, X-LINKED; VALVULAR HEART DISEASE, CONGENITAL; Congenital valvular dysplasia; Isolated X-Linked Cardiac Valvular Dysplasia. Identifiers: Orphanet 1864, Orphanet 555877, Orphanet 75497, MedGen C0262436, MONDO:0010753, OMIM 314400.
FLNA-related disorder.

Submissions (2):

Department of Molecular Genetics, Istishari Arab Hospital
Classification: Uncertain significance for Cardiac valvular dysplasia, X-linked. Last evaluated: 2026-03-24. Review status: criteria provided, single submitter. Criteria: ACMG Guidelines, 2015. Collection method: clinical testing. Allele origin: germline. Inheritance: Y-linked inheritance. Affected: yes.
Comment: The FLNA variant c.2228A>G, p.His743Arg creates an amino acid change from His to Arg at position 743. This variant is not observed in the gnomAD v4.1.0 dataset and has not been previously described in the literature. A different missense change at the same codon (p.His743Pro) has been reported to be associated with FLNA-related disorder (PMID: 29020406). It is classified as a variant of uncertain significance according to the recommendations of ACMG/AMP/ClinGen SVI guidelines.

3billion
Classification: Uncertain significance for FLNA-related disorder. Last evaluated: 2026-01-21. Review status: criteria provided, single submitter. Criteria: ACMG Guidelines, 2015. Collection method: clinical testing. Allele origin: germline. Affected: yes.
Comment: The variant is not observed in the gnomAD v4.1.0 dataset. Predicted Consequence/Location: Missense variant. Missense changes are a common disease-causing mechanism. In silico tool predictions suggest damaging effect of the variant on gene or gene product [REVEL: 0.93 (>=0.6, sensitivity 0.68 and specificity 0.92)]. A different missense change at the same codon (p.His743Pro) has been reported to be associated with FLNA-related disorder (PMID: 29020406). However the evidence of pathogenicity is insufficient at this time. Therefore, this variant is classified as VUS according to the recommendation of ACMG/AMP guideline.

Literature cited by the submitters: PubMed 29020406 (cited by Department of Molecular Genetics, Istishari Arab Hospital and 3billion).